The following is an entry in ClinVar:

NM_003724.4(JRK):c.1367C>T (p.Thr456Met)

Gene: JRK (Jrk helix-turn-helix protein; minus strand). Cytogenetic location: 8q24.3.
Variant type: single nucleotide variant.
Coding change: c.1367C>T on transcript NM_003724.4 (MANE Select); coding-DNA position 1367, C replaced by T.
Protein change: p.Thr456Met; replaces threonine 456 with methionine.
Molecular consequence: missense variant.
Genome position (GRCh38, 1-based): chr8:142,664,692, G>A on the plus strand (C>T on the coding strand, the complement: JRK is on the minus strand). VCF-style: chr8-142664692-G-A. GRCh37 (hg19) VCF-style: chr8-143746111-G-A.
Other names: c.1367C>T, p.Thr456Met (NM_001077527.3, NM_001279352.2); short protein forms T456M.
Identifiers: ClinVar variation 2658881 (VCV002658881.24), dbSNP rs104894081, ClinGen allele CA4903186.

ClinVar aggregate classification (germline): Likely benign (1 of 4 stars; one submission).

Allele frequency attached by ClinVar (database versions not stated): gnomAD 0.00052; ExAC 0.00056; TOPMed 0.00065; 1000 Genomes Project 0.00040; 1000 Genomes Project 30x 0.00047.
gnomAD v4.1: 1,225 of 1,609,526 alleles (0.076%); highest among the groups gnomAD compares: Non-Finnish European, 0.095%; no homozygotes.

Submission:

CeGaT Center for Human Genetics Tuebingen
Classification: Likely benign. Last evaluated: 2023-08-01. Review status: criteria provided, single submitter. Criteria: CeGaT Center For Human Genetics Tuebingen Variant Classification Criteria Version 2. Collection method: clinical testing. Allele origin: germline. Affected: yes. Observed: 1 variant allele.
Comment: JRK: BP4